The following is an entry in ClinVar:

ClinVar aggregate classification (germline): Uncertain significance (1 of 4 stars; one submission).

Allele frequency attached by ClinVar (database versions not stated): gnomAD exomes below 0.00001 and 0.00001; TOPMed below 0.00001.
gnomAD v4.1: 3 of 1,614,242 alleles (0.00019%); highest among the groups gnomAD compares: East Asian, 0.0067%; no homozygotes.

Submission:

Labcorp Genetics (formerly Invitae), Labcorp
Classification: Uncertain significance. Last evaluated: 2025-05-07. Review status: criteria provided, single submitter. Criteria: Invitae Variant Classification Sherloc (09022015). Collection method: clinical testing. Allele origin: germline.
Comment: This sequence change replaces threonine, which is neutral and polar, with alanine, which is neutral and non-polar, at codon 167 of the PTHLH protein (p.Thr167Ala). This variant is present in population databases (no rsID available, gnomAD 0.02%). This variant has not been reported in the literature in individuals affected with PTHLH-related conditions. ClinVar contains an entry for this variant (Variation ID: 1392444). An algorithm developed to predict the effect of missense changes on protein structure and function outputs the following: PolyPhen-2: "Benign". The alanine amino acid residue is found in multiple mammalian species, which suggests that this missense change does not adversely affect protein function. In summary, the available evidence is currently insufficient to determine the role of this variant in disease. Therefore, it has been classified as a Variant of Uncertain Significance.

NM_198965.2(PTHLH):c.499A>G (p.Thr167Ala)

Gene: PTHLH (parathyroid hormone like hormone; minus strand). Cytogenetic location: 12p11.22.
Variant type: single nucleotide variant.
Coding change: c.499A>G on transcript NM_198965.2 (MANE Select); coding-DNA position 499, A replaced by G.
Protein change: p.Thr167Ala; replaces threonine 167 with alanine.
Molecular consequence: missense variant.
Genome position (GRCh38, 1-based): chr12:27,963,373, T>C on the plus strand (A>G on the coding strand, the complement: PTHLH is on the minus strand). VCF-style: chr12-27963373-T-C. GRCh37 (hg19) VCF-style: chr12-28116306-T-C.
Other names: c.499A>G, p.Thr167Ala (NM_002820.3, NM_198964.2, NM_198966.2); short protein forms T167A.
Identifiers: ClinVar variation 1392444 (VCV001392444.6), dbSNP rs1262380417, ClinGen allele CA384338672.